The following is an entry in ClinVar:

ClinVar aggregate classification (germline): Uncertain significance (1 of 4 stars; one submission).

Conditions:
Inborn genetic diseases. Identifiers: MedGen C0950123, MeSH D030342.

gnomAD v4.1: 19 of 1,596,234 alleles (0.0012%); highest among the groups gnomAD compares: Non-Finnish European, 0.0016%; no homozygotes.

Submission:

Ambry Genetics
Classification: Uncertain significance for Inborn genetic diseases. Last evaluated: 2025-12-08. Review status: criteria provided, single submitter. Criteria: Ambry Variant Classification Scheme 2023. Collection method: clinical testing. Allele origin: germline.
Comment: The p.E8A variant (also known as c.23A>C), located in coding exon 1 of the KRIT1 gene, results from an A to C substitution at nucleotide position 23. The glutamic acid at codon 8 is replaced by alanine, an amino acid with dissimilar properties. This amino acid position is conserved. In addition, the in silico prediction for this alteration is inconclusive. Based on the available evidence, the clinical significance of this variant remains unclear.

NM_194454.3(KRIT1):c.23A>C (p.Glu8Ala)

Gene: KRIT1 (KRIT1 ankyrin repeat containing; minus strand). Cytogenetic location: 7q21.2.
Variant type: single nucleotide variant.
Coding change: c.23A>C on transcript NM_194454.3 (MANE Select); coding-DNA position 23, A replaced by C.
Protein change: p.Glu8Ala; replaces glutamic acid 8 with alanine.
Molecular consequence: missense variant. On other transcripts: 5 prime UTR variant (1).
Genome position (GRCh38, 1-based): chr7:92,242,113, T>G on the plus strand (A>C on the coding strand, the complement: KRIT1 is on the minus strand). VCF-style: chr7-92242113-T-G. GRCh37 (hg19) VCF-style: chr7-91871427-T-G.
Other names: c.23A>C, p.Glu8Ala (NM_001350669.1, NM_001350670.1, NM_001350672.1 and 29 more transcripts); c.-561A>C (NM_001350671.1); short protein forms E8A.
Identifiers: ClinVar variation 4623188 (VCV004623188.1).